The following is an entry in ClinVar:

ClinVar aggregate classification (germline): Likely benign. Review status: criteria provided, multiple submitters, no conflicts (2 of 4 stars). 2 submissions from 2 submitters: Likely benign (2). Last evaluated 2023-11-24.

Conditions:
Developmental and epileptic encephalopathy, 2 (DEE2). Also called: INFANTILE SPASM SYNDROME, X-LINKED 2; CDKL5 deficiency disorder. Identifiers: Orphanet 1934, Orphanet 3451, Orphanet 505652, MedGen C4750718, MONDO:0010396, OMIM 300672.
Angelman syndrome-like. Identifiers: MedGen CN128785.

Allele frequency attached by ClinVar (database versions not stated): gnomAD exomes below 0.00001 and 0.00001; ExAC 0.00001; gnomAD 0.00004; TOPMed 0.00005; ESP Exome Variant Server 0.00009.

Submissions (2):

Labcorp Genetics (formerly Invitae), Labcorp
Classification: Likely benign for Developmental and epileptic encephalopathy, 2; Angelman syndrome-like. Last evaluated: 2023-11-24. Review status: criteria provided, single submitter. Criteria: Invitae Variant Classification Sherloc (09022015). Collection method: clinical testing. Allele origin: germline.

GeneDx
Classification: Likely benign. Last evaluated: 2017-04-06. Review status: criteria provided, single submitter. Criteria: GeneDx Variant Classification (06012015). Collection method: clinical testing. Allele origin: germline. Affected: yes.
Comment: This variant is considered likely benign or benign based on one or more of the following criteria: it is a conservative change, it occurs at a poorly conserved position in the protein, it is predicted to be benign by multiple in silico algorithms, and/or has population frequency not consistent with disease.

NM_001323289.2(CDKL5):c.1122T>A (p.Ala374=)

Gene: CDKL5 (cyclin dependent kinase like 5; plus strand). Cytogenetic location: Xp22.13.
Variant type: single nucleotide variant.
Coding change: c.1122T>A on transcript NM_001323289.2 (MANE Select); coding-DNA position 1122, T replaced by A.
Protein change: p.Ala374=; no amino-acid change (alanine 374 retained).
Molecular consequence: synonymous variant.
Genome position (GRCh38, 1-based): chrX:18,604,046, T>A. VCF-style: chrX-18604046-T-A. GRCh37 (hg19) VCF-style: chrX-18622166-T-A.
Other names: c.1122T>A, p.Ala374= (NM_001037343.2, NM_003159.3).
Identifiers: ClinVar variation 517837 (VCV000517837.8), dbSNP rs141452495, ClinGen allele CA10360355.
Genomic context (GRCh38, chrX:18,604,046, plus strand): 5'-CCGGGCTGACGAAGGTCTCCCTGCCAATGAAAGCTTCCTAAATGGAAACCTTGCTGGAGC[T>A]AGTCTTAGTCCACTGCACACCAAAACCTACCAAGCAAGCAGCCAGCCTGGGTCTACCAGC-3'
Protein context (NP_001310218.1, residues 364-384): ESFLNGNLAG[Ala374=]SLSPLHTKTY